The following is an entry in ClinVar:

NM_000218.3(KCNQ1):c.1394-15920G>A

Genes: KCNQ1 (potassium voltage-gated channel subfamily Q member 1; plus strand), KCNQ1OT1 (KCNQ1 opposite strand/antisense transcript 1; minus strand). Cytogenetic location: 11p15.5.
Variant type: single nucleotide variant.
Coding change: c.1394-15920G>A on transcript NM_000218.3 (MANE Select); 15920 bases into the intron before coding-DNA position 1394, G replaced by A.
Molecular consequence: intron variant. On other transcripts: non-coding transcript variant (1).
Genome position (GRCh38, 1-based): chr11:2,646,041, G>A. VCF-style: chr11-2646041-G-A. GRCh37 (hg19) VCF-style: chr11-2667271-G-A.
Other names: c.1124-15920G>A (NM_001406837.1); c.1298-15920G>A (NM_001406836.1); c.854-15920G>A (NM_001406838.1); c.1013-15920G>A (NM_181798.2).
Identifiers: ClinVar variation 2641423 (VCV002641423.24), dbSNP rs576731959, ClinGen allele CA216158401.

ClinVar aggregate classification (germline): Benign (1 of 4 stars; one submission).

Allele frequency attached by ClinVar (database versions not stated): TOPMed 0.00066; gnomAD 0.00068; gnomAD exomes 0.00087.
gnomAD v4.1: 315 of 398,494 alleles (0.079%); highest among the groups gnomAD compares: Non-Finnish European, 0.11%; no homozygotes.

Submission:

CeGaT Center for Human Genetics Tuebingen
Classification: Benign. Last evaluated: 2026-02-01. Review status: criteria provided, single submitter. Criteria: CeGaT Center For Human Genetics Tuebingen Variant Classification Criteria Version 2. Collection method: clinical testing. Allele origin: germline. Affected: yes. Observed: 6 variant alleles.
Comment: KCNQ1OT1: BS1, BS2